The following is an entry in ClinVar:

ClinVar aggregate classification (germline): Uncertain significance (1 of 4 stars; one submission).

Conditions:
Autoimmune lymphoproliferative syndrome type 2A (ALPS2A). Also called: Autoimmune lymphoproliferative syndrome type 2; CASP10-Related Autoimmune Lymphoproliferative Syndrome; AUTOIMMUNE LYMPHOPROLIFERATIVE SYNDROME, TYPE IIA. Identifiers: Orphanet 3261, MedGen C1858968, MONDO:0011383, OMIM 603909.

Submission:

Labcorp Genetics (formerly Invitae), Labcorp
Classification: Uncertain significance for Autoimmune lymphoproliferative syndrome type 2A. Last evaluated: 2022-04-16. Review status: criteria provided, single submitter. Criteria: Invitae Variant Classification Sherloc (09022015). Collection method: clinical testing. Allele origin: germline.
Comment: In summary, the available evidence is currently insufficient to determine the role of this variant in disease. Therefore, it has been classified as a Variant of Uncertain Significance. This variant has not been reported in the literature in individuals affected with CASP10-related conditions. This variant is present in population databases (rs767731671, gnomAD 0.0009%). This sequence change creates a premature translational stop signal (p.Ile196Serfs*25) in the CASP10 gene. It is expected to result in an absent or disrupted protein product. However, the current clinical and genetic evidence is not sufficient to establish whether loss-of-function variants in CASP10 cause disease.

NM_032977.4(CASP10):c.587_588del (p.Ile196fs)

Gene: CASP10 (caspase 10; plus strand). Cytogenetic location: 2q33.1.
Variant type: Deletion.
Coding change: c.587_588del on transcript NM_032977.4 (MANE Select); coding-DNA positions 587 to 588, 2 bases deleted (TA; older notation c.587_588delTA).
Protein change: p.Ile196fs; shifts the reading frame from isoleucine 196.
Molecular consequence: frameshift variant.
Genome position (GRCh38, 1-based): chr2:201,195,851-201,195,852, TA deleted; deleting any 2 consecutive bases within chr2:201,195,850-201,195,852 gives the same sequence; the c. name uses the placement nearest the transcript's 3' end. VCF-style (leftmost placement, unchanged base first): chr2-201195849-GAT-G. GRCh37 (hg19) VCF-style: chr2-202060572-GAT-G.
Other names: c.587_588del, p.Ile196fs (NM_001206524.2, NM_001206542.2, NM_001230.5 and 3 more transcripts); short protein forms I196fs.
Identifiers: ClinVar variation 1905483 (VCV001905483.5), dbSNP rs767731671, ClinGen allele CA2052920.